The following is an entry in ClinVar:

NM_019032.6(ADAMTSL4):c.1234+5G>A

Genes: ADAMTSL4 (ADAMTS like 4; plus strand), ADAMTSL4-AS2 (ADAMTSL4 antisense RNA 2; minus strand). Cytogenetic location: 1q21.2.
Variant type: single nucleotide variant.
Coding change: c.1234+5G>A on transcript NM_019032.6 (MANE Select); 5 bases into the intron after coding-DNA position 1234, G replaced by A.
Molecular consequence: intron variant.
Genome position (GRCh38, 1-based): chr1:150,554,472, G>A. VCF-style: chr1-150554472-G-A. GRCh37 (hg19) VCF-style: chr1-150526948-G-A.
Other names: c.1234+5G>A (NM_001288608.2, NM_001288607.2, NM_001378596.1 and 1 more transcripts).
Identifiers: ClinVar variation 2662413 (VCV002662413.1), dbSNP rs995446810, ClinGen allele CA30067667.

ClinVar aggregate classification (germline): Uncertain significance (1 of 4 stars; one submission).

Allele frequency attached by ClinVar (database versions not stated): gnomAD 0.00001; TOPMed 0.00001.
gnomAD v4.1: 2 of 1,614,038 alleles (0.00012%); highest among the groups gnomAD compares: Admixed American, 0.0033%; no homozygotes.

Submission:

GeneDx
Classification: Uncertain significance. Last evaluated: 2023-04-03. Review status: criteria provided, single submitter. Criteria: GeneDx Variant Classification Process June 2021. Collection method: clinical testing. Allele origin: germline. Affected: yes.
Comment: Not observed at significant frequency in large population cohorts (gnomAD); In silico analysis supports that this variant does not alter splicing; Has not been previously published as pathogenic or benign to our knowledge